The following is an entry in ClinVar:

NM_001318895.3(FHL2):c.121G>T (p.Glu41Ter)

Gene: FHL2 (four and a half LIM domains 2; minus strand). Cytogenetic location: 2q12.2.
Variant type: single nucleotide variant.
Coding change: c.121G>T on transcript NM_001318895.3 (MANE Select); coding-DNA position 121, G replaced by T.
Protein change: p.Glu41Ter; replaces glutamic acid 41 with a stop codon.
Molecular consequence: nonsense. On other transcripts: 5 prime UTR variant (3).
Genome position (GRCh38, 1-based): chr2:105,386,396, C>A on the plus strand (G>T on the coding strand, the complement: FHL2 is on the minus strand). VCF-style: chr2-105386396-C-A. GRCh37 (hg19) VCF-style: chr2-106002853-C-A.
Other names: c.121G>T, p.Glu41Ter (NM_001039492.3, NM_001318894.1, NM_001318896.2 and 4 more transcripts); c.-47G>T (NM_001318897.2, NM_001318898.2); c.-326G>T (NM_001318899.2); short protein forms E41*.
Identifiers: ClinVar variation 1027072 (VCV001027072.5), dbSNP rs552625336, ClinGen allele CA348100280.

ClinVar aggregate classification (germline): Uncertain significance (1 of 4 stars; one submission).

Conditions:
Primary dilated cardiomyopathy (DCM). Also called: Dilated Cardiomyopathy. Identifiers: Orphanet 217604, MedGen C0007193, MeSH D002311, MONDO:0005021, HP:0001644. Inheritance: Various modes of inheritance.

Submission:

Labcorp Genetics (formerly Invitae), Labcorp
Classification: Uncertain significance for Primary dilated cardiomyopathy. Last evaluated: 2025-08-17. Review status: criteria provided, single submitter. Criteria: Invitae Variant Classification Sherloc (09022015). Collection method: clinical testing. Allele origin: germline.
Comment: This sequence change creates a premature translational stop signal (p.Glu41*) in the FHL2 gene. It is expected to result in an absent or disrupted protein product. However, the current clinical and genetic evidence is not sufficient to establish whether loss-of-function variants in FHL2 cause disease. This variant is not present in population databases (gnomAD no frequency). This variant has not been reported in the literature in individuals affected with FHL2-related conditions. ClinVar contains an entry for this variant (Variation ID: 1027072). In summary, the available evidence is currently insufficient to determine the role of this variant in disease. Therefore, it has been classified as a Variant of Uncertain Significance.